The following is an entry in ClinVar:

ClinVar aggregate classification (germline): Likely benign (0 of 4 stars; one submission).

Conditions:
EFCAB5-related disorder. Also called: EFCAB5-related condition.

Allele frequency attached by ClinVar (database versions not stated): gnomAD exomes 0.00011; 1000 Genomes Project 30x 0.00078; 1000 Genomes Project 0.00080; gnomAD 0.00091; TOPMed 0.00108.
gnomAD v4.1: 197 of 698,430 alleles (0.028%); highest among the groups gnomAD compares: African/African-American, 0.32%; no homozygotes.

Submission:

PreventionGenetics, part of Exact Sciences
Classification: Likely benign for EFCAB5-related condition. Last evaluated: 2019-08-26. Review status: no assertion criteria provided. Collection method: clinical testing. Allele origin: germline.
Comment: This variant is classified as likely benign based on ACMG/AMP sequence variant interpretation guidelines (Richards et al. 2015 PMID: 25741868, with internal and published modifications).

NM_198529.4(EFCAB5):c.2738-5079G>A

Gene: EFCAB5 (EF-hand calcium binding domain 5; plus strand). Cytogenetic location: 17q11.2.
Variant type: single nucleotide variant.
Coding change: c.2738-5079G>A on transcript NM_198529.4 (MANE Select); 5079 bases into the intron before coding-DNA position 2738, G replaced by A.
Molecular consequence: intron variant. On other transcripts: synonymous variant (1), non-coding transcript variant (1).
Genome position (GRCh38, 1-based): chr17:30,073,136, G>A. VCF-style: chr17-30073136-G-A. GRCh37 (hg19) VCF-style: chr17-28400154-G-A.
Other names: c.2466G>A, p.Gln822= (NM_001145053.2).
Identifiers: ClinVar variation 3053146 (VCV003053146.2), dbSNP rs554112879, ClinGen allele CA289245125.